The following is an entry in ClinVar:

ClinVar aggregate classification (germline): Uncertain significance. Review status: criteria provided, multiple submitters, no conflicts (2 of 4 stars). 2 submissions from 2 submitters: Uncertain significance (2). Last evaluated 2026-02-04.

Allele frequency attached by ClinVar (database versions not stated): ExAC 0.00001; TOPMed 0.00001; gnomAD exomes 0.00001.
gnomAD v4.1: 14 of 1,611,596 alleles (0.00087%); highest among the groups gnomAD compares: Non-Finnish European, 0.0011%; no homozygotes.

Submissions (2):

GeneDx
Classification: Uncertain significance. Last evaluated: 2026-02-04. Review status: criteria provided, single submitter. Criteria: GeneDx Variant Classification Process June 2021. Collection method: clinical testing. Allele origin: germline.
Comment: In silico analysis supports that this missense variant has a deleterious effect on protein structure/function; Has not been previously published as pathogenic or benign to our knowledge

Institute for Clinical Genetics, University Hospital TU Dresden, University Hospital TU Dresden
Classification: Uncertain significance. Last evaluated: 2021-11-03. Review status: criteria provided, single submitter. Criteria: ACMG Guidelines, 2015. Collection method: clinical testing. Allele origin: germline.

NM_052867.4(NALCN):c.3263G>A (p.Arg1088His)

Gene: NALCN (sodium leak channel, non-selective; minus strand). Cytogenetic location: 13q32.3.
Variant type: single nucleotide variant.
Coding change: c.3263G>A on transcript NM_052867.4 (MANE Select); coding-DNA position 3263, G replaced by A.
Protein change: p.Arg1088His; replaces arginine 1088 with histidine.
Molecular consequence: missense variant.
Genome position (GRCh38, 1-based): chr13:101,095,580, C>T on the plus strand (G>A on the coding strand, the complement: NALCN is on the minus strand). VCF-style: chr13-101095580-C-T. GRCh37 (hg19) VCF-style: chr13-101747931-C-T.
Other names: c.3350G>A, p.Arg1117His (NM_001350748.2); c.3263G>A, p.Arg1088His (NM_001350749.2); c.3176G>A, p.Arg1059His (NM_001350750.2, NM_001350751.2); short protein forms R1059H, R1088H, R1117H.
Identifiers: ClinVar variation 1319320 (VCV001319320.4), dbSNP rs766948695, ClinGen allele CA7035456.
Genomic context (GRCh38, chr13:101,095,580, plus strand): 5'-CCTTATACTGACAAACACACCATTCTTCAGAATATTTTTTTATGATATACTTACCAAACA[C>T]GGGGCACCCAAAATCCAGGTTTTTTCTCTCCAGGCCTCAATTTTAAATTTAAGTTCTTTG-3'
Protein context (NP_443099.1, residues 1078-1098): GEKKPGFWVP[Arg1088His]VWANPRNFNF